The following is an entry in ClinVar:

NM_000535.7(PMS2):c.1332dup (p.Ser445fs)

Gene: PMS2 (PMS1 homolog 2, mismatch repair system component; minus strand). Cytogenetic location: 7p22.1.
Variant type: Duplication.
Coding change: c.1332dup on transcript NM_000535.7 (MANE Select); coding-DNA position 1332, one base duplicated (G; older notation c.1332dupG).
Protein change: p.Ser445fs; shifts the reading frame from serine 445.
Molecular consequence: frameshift variant. On other transcripts: non-coding transcript variant (1), intron variant (1).
Genome position (GRCh38, 1-based): chr7:5,987,433, C duplicated on the plus strand (G on the coding strand, the reverse complement: PMS2 is on the minus strand); the first of 2 consecutive C bases (chr7:5,987,433-5,987,434); duplicating either gives the same sequence. VCF-style (leftmost placement, unchanged base first): chr7-5987432-T-TC. GRCh37 (hg19) VCF-style: chr7-6027063-T-TC.
Other names: c.927dup, p.Ser310fs (NM_001406890.1, NM_001406891.1, NM_001406892.1 and 16 more transcripts); c.867dup, p.Ser290fs (NM_001406900.1); c.858dup, p.Ser287fs (NM_001406901.1, NM_001406902.1); c.1014dup, p.Ser339fs (NM_001406903.1, NM_001406883.1, NM_001406876.1 and 2 more transcripts); c.819dup, p.Ser274fs (NM_001406904.1, NM_001406905.1); c.771dup, p.Ser258fs (NM_001406906.1, NM_001406907.1, NM_001322010.2); c.759dup, p.Ser254fs (NM_001406909.1, NM_001322013.2); c.561dup, p.Ser188fs (NM_001406911.1); and 13 more; short protein forms S188fs, S274fs, S290fs, S323fs, S337fs, S339fs, S409fs, S445fs.
Identifiers: ClinVar variation 3726705 (VCV003726705.2).

ClinVar aggregate classification (germline): Pathogenic (1 of 4 stars; one submission).

Conditions:
Hereditary nonpolyposis colorectal neoplasms. Identifiers: MedGen C0009405, MeSH D003123.

Submission:

Labcorp Genetics (formerly Invitae), Labcorp
Classification: Pathogenic for Hereditary nonpolyposis colorectal neoplasms. Last evaluated: 2024-12-05. Review status: criteria provided, single submitter. Criteria: Invitae Variant Classification Sherloc (09022015). Collection method: clinical testing. Allele origin: germline.
Comment: This sequence change creates a premature translational stop signal (p.Ser445Glufs*13) in the PMS2 gene. It is expected to result in an absent or disrupted protein product. Loss-of-function variants in PMS2 are known to be pathogenic (PMID: 21376568, 24362816). This variant is not present in population databases (gnomAD no frequency). This variant has not been reported in the literature in individuals affected with PMS2-related conditions. For these reasons, this variant has been classified as Pathogenic.

Literature cited by the submitters: PubMed 21376568; PubMed 24362816.